The following is an entry in ClinVar:

ClinVar aggregate classification (germline): Uncertain significance (1 of 4 stars; one submission).

Allele frequency attached by ClinVar (database versions not stated): gnomAD exomes below 0.00001.
gnomAD v4.1: 1 of 1,613,464 alleles (0.000062%); no homozygotes.

Submission:

Labcorp Genetics (formerly Invitae), Labcorp
Classification: Uncertain significance. Last evaluated: 2019-05-04. Review status: criteria provided, single submitter. Criteria: Invitae Variant Classification Sherloc (09022015). Collection method: clinical testing. Allele origin: germline.
Comment: This sequence change replaces leucine with proline at codon 1017 of the MSH3 protein (p.Leu1017Pro). The leucine residue is moderately conserved and there is a moderate physicochemical difference between leucine and proline. In summary, the available evidence is currently insufficient to determine the role of this variant in disease. Therefore, it has been classified as a Variant of Uncertain Significance. Algorithms developed to predict the effect of missense changes on protein structure and function are either unavailable or do not agree on the potential impact of this missense change (SIFT: "Deleterious"; PolyPhen-2: "Probably Damaging"; Align-GVGD: "Class C0"). This variant has not been reported in the literature in individuals with MSH3-related conditions. This variant is not present in population databases (ExAC no frequency).

NM_002439.5(MSH3):c.3050T>C (p.Leu1017Pro)

Gene: MSH3 (mutS homolog 3; plus strand). Cytogenetic location: 5q14.1.
Variant type: single nucleotide variant.
Coding change: c.3050T>C on transcript NM_002439.5 (MANE Select); coding-DNA position 3050, T replaced by C.
Protein change: p.Leu1017Pro; replaces leucine 1017 with proline.
Molecular consequence: missense variant.
Genome position (GRCh38, 1-based): chr5:80,864,862, T>C. VCF-style: chr5-80864862-T-C. GRCh37 (hg19) VCF-style: chr5-80160681-T-C.
Other names: short protein forms L1017P.
Identifiers: ClinVar variation 843693 (VCV000843693.9), dbSNP rs1746073578, ClinGen allele CA360346224.
Genomic context (GRCh38, chr5:80,864,862, plus strand): 5'-TATTGCTTTAGGTGAAATCCTTAACCCTGTTTGTCACCCATTATCCGCCAGTTTGTGAAC[T>C]AGAAAAAAATTACTCACACCAGGTGGGGAATTACCACATGGGATTCTTGGTCAGTGAGGA-3'
Protein context (NP_002430.3, residues 1007-1027): FVTHYPPVCE[Leu1017Pro]EKNYSHQVGN